The following is an entry in ClinVar:

NM_000053.4(ATP7B):c.3423C>A (p.Pro1141=)

Gene: ATP7B (ATPase copper transporting beta; minus strand). Cytogenetic location: 13q14.3.
Variant type: single nucleotide variant.
Coding change: c.3423C>A on transcript NM_000053.4 (MANE Select); coding-DNA position 3423, C replaced by A.
Protein change: p.Pro1141=; no amino-acid change (proline 1141 retained).
Molecular consequence: synonymous variant. On other transcripts: intron variant (2).
Genome position (GRCh38, 1-based): chr13:51,941,214, G>T on the plus strand (C>A on the coding strand, the complement: ATP7B is on the minus strand). VCF-style: chr13-51941214-G-T. GRCh37 (hg19) VCF-style: chr13-52515350-G-T.
Other names: c.2802C>A, p.Pro934= (NM_001005918.3); c.3090C>A, p.Pro1030= (NM_001243182.2); c.3189C>A, p.Pro1063= (NM_001330578.2, NM_001406527.1, NM_001406528.1); c.3171C>A, p.Pro1057= (NM_001330579.2, NM_001406531.1, NM_001406532.1); c.3423C>A, p.Pro1141= (NM_001406511.1, NM_001406512.1, NM_001406526.1); c.3417C>A, p.Pro1139= (NM_001406513.1); c.3390C>A, p.Pro1130= (NM_001406514.1); c.3369C>A, p.Pro1123= (NM_001406515.1, NM_001406516.1); and 20 more.
Identifiers: ClinVar variation 4823319 (VCV004823319.4).
Genomic context (GRCh38, chr13:51,941,214, plus strand): 5'-AATGGTTAAACCGTTGCGCCTCAGCCACTCACGGTTTCCAATCAGCACAGAGAAGGTCTG[G>T]GGGACTGCATCTATTCAAAAGAGGCTGTGGTTATTTCTAAATGGTCCAATTTCACTGTGA-3'
Protein context (NP_000044.2, residues 1131-1151): GSLPAEKDAV[Pro1141=]QTFSVLIGNR

ClinVar aggregate classification (germline): Likely benign (1 of 4 stars; one submission).

gnomAD v4.1: 1 of 1,614,116 alleles (0.000062%); highest among the groups gnomAD compares: Non-Finnish European, 0.000085%; no homozygotes.

Submission:

CeGaT Center for Human Genetics Tuebingen
Classification: Likely benign. Last evaluated: 2026-02-01. Review status: criteria provided, single submitter. Criteria: CeGaT Center For Human Genetics Tuebingen Variant Classification Criteria Version 2. Collection method: clinical testing. Allele origin: germline. Affected: yes. Observed: 1 variant allele.
Comment: ATP7B: BP4, BP7